The following is an entry in ClinVar:

NC_000005.9:g.(?_45262023)_(45696195_?)dup

Gene: HCN1 (hyperpolarization activated cyclic nucleotide gated potassium channel 1; minus strand). Cytogenetic location: 5p12.
Variant type: Duplication.
Identifiers: ClinVar variation 1056314 (VCV001056314.6).

ClinVar aggregate classification (germline): Uncertain significance (1 of 4 stars; one submission).

Conditions:
Developmental and epileptic encephalopathy. Identifiers: MedGen C5779964, MONDO:0100620.

Submission:

Labcorp Genetics (formerly Invitae), Labcorp
Classification: Uncertain significance for Early-infantile DEE. Last evaluated: 2022-07-11. Review status: criteria provided, single submitter. Criteria: Invitae Variant Classification Sherloc (09022015). Collection method: clinical testing. Allele origin: germline.
Comment: A copy number gain of the genomic region encompassing the full coding sequence of the HCN1 gene has been identified. The boundaries of this event are unknown as they extend beyond the assayed region for this gene and therefore may encompass additional genes. As the precise location of this event is unknown, it may be in tandem or it may be located elsewhere in the genome. This variant has not been reported in the literature in individuals affected with HCN1-related conditions. In summary, the available evidence is currently insufficient to determine the role of this variant in disease. Therefore, it has been classified as a Variant of Uncertain Significance.